The following is an entry in ClinVar:

ClinVar aggregate classification (germline): Uncertain significance. Review status: criteria provided, multiple submitters, no conflicts (2 of 4 stars). 2 submissions from 2 submitters: Uncertain significance (2). Last evaluated 2022-10-17.

Conditions:
Inborn genetic diseases. Identifiers: MedGen C0950123, MeSH D030342.
Developmental and epileptic encephalopathy, 1 (DEE1). Also called: X-linked infantile spasms; West's syndrome; Tonic spasms with clustering, arrest of psychomotor development and hypsarrhythmia on EEG; X-Linked Infantile Spasm Syndrome; OHTAHARA SYNDROME, X-LINKED; Epileptic encephalopathy, early infantile, 1. Identifiers: MedGen C3463992, MONDO:0010632, OMIM 308350. Disease mechanism: loss of function.
Autosomal recessive spinocerebellar ataxia 12. Also called: SPINOCEREBELLAR ATAXIA WITH MENTAL RETARDATION AND EPILEPSY. Identifiers: Orphanet 284282, MedGen C3280452, MONDO:0013687, OMIM 614322.

Allele frequency attached by ClinVar (database versions not stated): gnomAD exomes 0.00003; ExAC 0.00005.
gnomAD v4.1: 17 of 1,614,190 alleles (0.0011%); highest among the groups gnomAD compares: South Asian, 0.0088%; no homozygotes.

Submissions (2):

Labcorp Genetics (formerly Invitae), Labcorp
Classification: Uncertain significance for Developmental and epileptic encephalopathy, 1; Autosomal recessive spinocerebellar ataxia 12. Last evaluated: 2022-10-17. Review status: criteria provided, single submitter. Criteria: Invitae Variant Classification Sherloc (09022015). Collection method: clinical testing. Allele origin: germline.
Comment: This sequence change replaces arginine, which is basic and polar, with tryptophan, which is neutral and slightly polar, at codon 395 of the WWOX protein (p.Arg395Trp). This variant is present in population databases (rs750042007, gnomAD 0.02%). This variant has not been reported in the literature in individuals affected with WWOX-related conditions. ClinVar contains an entry for this variant (Variation ID: 1517395). Advanced modeling of protein sequence and biophysical properties (such as structural, functional, and spatial information, amino acid conservation, physicochemical variation, residue mobility, and thermodynamic stability) performed at Invitae indicates that this missense variant is not expected to disrupt WWOX protein function. In summary, the available evidence is currently insufficient to determine the role of this variant in disease. Therefore, it has been classified as a Variant of Uncertain Significance.

Ambry Genetics
Classification: Uncertain significance for Inborn genetic diseases. Last evaluated: 2022-05-27. Review status: criteria provided, single submitter. Criteria: Ambry Variant Classification Scheme 2023. Collection method: clinical testing. Allele origin: germline.

NM_016373.4(WWOX):c.1183C>T (p.Arg395Trp)

Genes: MAF (MAF bZIP transcription factor; minus strand), WWOX (WW domain containing oxidoreductase; plus strand). Cytogenetic location: 16q23.2.
Variant type: single nucleotide variant.
Coding change: c.1183C>T on transcript NM_016373.4 (MANE Select); coding-DNA position 1183, C replaced by T.
Protein change: p.Arg395Trp; replaces arginine 395 with tryptophan.
Molecular consequence: missense variant.
Genome position (GRCh38, 1-based): chr16:79,211,734, C>T. VCF-style: chr16-79211734-C-T. GRCh37 (hg19) VCF-style: chr16-79245631-C-T.
Other names: c.844C>T, p.Arg282Trp (NM_001291997.2); c.1183C>T (NM_016373.2); short protein forms R395W, R282W.
Identifiers: ClinVar variation 1517395 (VCV001517395.4), dbSNP rs750042007, ClinGen allele CA8183780.